The following is an entry in ClinVar:

ClinVar aggregate classification (germline): Uncertain significance. Review status: criteria provided, multiple submitters, no conflicts (2 of 4 stars). 2 submissions from 2 submitters: Uncertain significance (2). Last evaluated 2025-04-11.

Allele frequency attached by ClinVar (database versions not stated): gnomAD exomes below 0.00001.

Submissions (2):

GeneDx
Classification: Uncertain significance. Last evaluated: 2025-04-11. Review status: criteria provided, single submitter. Criteria: GeneDx Variant Classification Process June 2021. Collection method: clinical testing. Allele origin: germline.
Comment: Not observed at significant frequency in large population cohorts (gnomAD); In silico analysis indicates that this missense variant does not alter protein structure/function; Has not been previously published as pathogenic or benign to our knowledge

Mayo Clinic Laboratories, Mayo Clinic
Classification: Uncertain significance. Last evaluated: 2024-04-30. Review status: criteria provided, single submitter. Criteria: ACMG Guidelines, 2015. Collection method: clinical testing. Allele origin: germline. Observed: 1 variant allele.
Comment: BP4

NM_004863.4(SPTLC2):c.447G>A (p.Met149Ile)

Gene: SPTLC2 (serine palmitoyltransferase long chain base subunit 2; minus strand). Cytogenetic location: 14q24.3.
Variant type: single nucleotide variant.
Coding change: c.447G>A on transcript NM_004863.4 (MANE Select); coding-DNA position 447, G replaced by A.
Protein change: p.Met149Ile; replaces methionine 149 with isoleucine.
Molecular consequence: missense variant.
Genome position (GRCh38, 1-based): chr14:77,578,990, C>T on the plus strand (G>A on the coding strand, the complement: SPTLC2 is on the minus strand). VCF-style: chr14-77578990-C-T. GRCh37 (hg19) VCF-style: chr14-78045333-C-T.
Other names: p.Met149Ile; short protein forms M149I.
Identifiers: ClinVar variation 1707885 (VCV001707885.4), dbSNP rs963861548, ClinGen allele CA263842146.